The following is an entry in ClinVar:

NM_004700.4(KCNQ4):c.1262C>T (p.Pro421Leu)

Gene: KCNQ4 (potassium voltage-gated channel subfamily Q member 4; plus strand). Cytogenetic location: 1p34.2.
Variant type: single nucleotide variant.
Coding change: c.1262C>T on transcript NM_004700.4 (MANE Select); coding-DNA position 1262, C replaced by T.
Protein change: p.Pro421Leu; replaces proline 421 with leucine.
Molecular consequence: missense variant. On other transcripts: intron variant (1).
Genome position (GRCh38, 1-based): chr1:40,824,228, C>T. VCF-style: chr1-40824228-C-T. GRCh37 (hg19) VCF-style: chr1-41289900-C-T.
Other names: c.1130+1826C>T (NM_172163.3); short protein forms P421L.
Identifiers: ClinVar variation 4748807 (VCV004748807.1).

ClinVar aggregate classification (germline): Uncertain significance (1 of 4 stars; one submission).

gnomAD v4.1: 44 of 1,607,976 alleles (0.0027%); highest among the groups gnomAD compares: South Asian, 0.037%; no homozygotes.

Submission:

Labcorp Genetics (formerly Invitae), Labcorp
Classification: Uncertain significance. Last evaluated: 2025-10-13. Review status: criteria provided, single submitter. Criteria: Invitae Variant Classification Sherloc (09022015). Collection method: clinical testing. Allele origin: germline.
Comment: This sequence change replaces proline, which is neutral and non-polar, with leucine, which is neutral and non-polar, at codon 421 of the KCNQ4 protein (p.Pro421Leu). This variant is present in population databases (rs750942862, gnomAD 0.03%). This variant has not been reported in the literature in individuals affected with KCNQ4-related conditions. Invitae Evidence Modeling of protein sequence and biophysical properties (such as structural, functional, and spatial information, amino acid conservation, physicochemical variation, residue mobility, and thermodynamic stability) indicates that this missense variant is not expected to disrupt KCNQ4 protein function with a negative predictive value of 95%. In summary, the available evidence is currently insufficient to determine the role of this variant in disease. Therefore, it has been classified as a Variant of Uncertain Significance.